The following is an entry in ClinVar:

NM_000288.4(PEX7):c.22_31del (p.Ala8fs)

Gene: PEX7 (peroxisomal biogenesis factor 7; plus strand). Cytogenetic location: 6q23.3.
Variant type: Deletion.
Coding change: c.22_31del on transcript NM_000288.4 (MANE Select); coding-DNA positions 22 to 31, 10 bases deleted (GCGGCGCGGA; older notation c.22_31delGCGGCGCGGA).
Protein change: p.Ala8fs; shifts the reading frame from alanine 8.
Molecular consequence: frameshift variant.
Genome position (GRCh38, 1-based): chr6:136,822,687-136,822,696, GCGGCGCGGA deleted; deleting any 10 consecutive bases within chr6:136,822,684-136,822,696 gives the same sequence; the c. name uses the placement nearest the transcript's 3' end. VCF-style (leftmost placement, unchanged base first): chr6-136822683-TGGAGCGGCGC-T. GRCh37 (hg19) VCF-style: chr6-137143821-TGGAGCGGCGC-T.
Other names: short protein forms A8fs.
Identifiers: ClinVar variation 2705515 (VCV002705515.3), dbSNP rs2548068720, ClinGen allele CA2697553780.

ClinVar aggregate classification (germline): Pathogenic (1 of 4 stars; one submission).

Conditions:
Peroxisome biogenesis disorder 9B. Also called: PEX7-Related Refsum Disease; PEROXISOME BIOGENESIS DISORDER, PEX7-RELATED, ATYPICAL; Refsum disease, adult, 2. Identifiers: Orphanet 773, MedGen C2749346, MONDO:0013945, OMIM 614879.

Submission:

Labcorp Genetics (formerly Invitae), Labcorp
Classification: Pathogenic for Peroxisome biogenesis disorder 9B. Last evaluated: 2024-01-03. Review status: criteria provided, single submitter. Criteria: Invitae Variant Classification Sherloc (09022015). Collection method: clinical testing. Allele origin: germline.
Comment: This sequence change creates a premature translational stop signal (p.Ala8Cysfs*39) in the PEX7 gene. It is expected to result in an absent or disrupted protein product. Loss-of-function variants in PEX7 are known to be pathogenic (PMID: 12325024, 12522768, 20301447). This variant is not present in population databases (gnomAD no frequency). This variant has not been reported in the literature in individuals affected with PEX7-related conditions. For these reasons, this variant has been classified as Pathogenic.

Literature cited by the submitters: PubMed 12325024; PubMed 12522768; PubMed 20301447.